The following is an entry in ClinVar:

NM_002439.5(MSH3):c.419T>G (p.Phe140Cys)

Gene: MSH3 (mutS homolog 3; plus strand). Cytogenetic location: 5q14.1.
Variant type: single nucleotide variant.
Coding change: c.419T>G on transcript NM_002439.5 (MANE Select); coding-DNA position 419, T replaced by G.
Protein change: p.Phe140Cys; replaces phenylalanine 140 with cysteine.
Molecular consequence: missense variant.
Genome position (GRCh38, 1-based): chr5:80,665,203, T>G. VCF-style: chr5-80665203-T-G. GRCh37 (hg19) VCF-style: chr5-79961022-T-G.
Other names: short protein forms F140C.
Identifiers: ClinVar variation 1738632 (VCV001738632.11), dbSNP rs755863687, ClinGen allele CA360263290.

ClinVar aggregate classification (germline): Uncertain significance. Review status: criteria provided, multiple submitters, no conflicts (2 of 4 stars). 3 submissions from 3 submitters: Uncertain significance (3). Last evaluated 2025-03-04.

Conditions:
Hereditary cancer-predisposing syndrome. Also called: Hereditary Cancer Syndrome; Hereditary neoplastic syndrome; Neoplastic Syndromes, Hereditary; Tumor predisposition. Identifiers: Orphanet 140162, MedGen C0027672, MeSH D009386, MONDO:0015356.

gnomAD v4.1: 2 of 1,614,152 alleles (0.00012%); highest among the groups gnomAD compares: Non-Finnish European, 0.00017%; no homozygotes.

Submissions (3):

Center for Genomic Medicine, Rigshospitalet, Copenhagen University Hospital
Classification: Uncertain significance. Last evaluated: 2025-03-04. Review status: criteria provided, single submitter. Criteria: ACMG Guidelines, 2015. Collection method: clinical testing. Allele origin: germline.

Labcorp Genetics (formerly Invitae), Labcorp
Classification: Uncertain significance. Last evaluated: 2022-06-28. Review status: criteria provided, single submitter. Criteria: Invitae Variant Classification Sherloc (09022015). Collection method: clinical testing. Allele origin: germline.
Comment: In summary, the available evidence is currently insufficient to determine the role of this variant in disease. Therefore, it has been classified as a Variant of Uncertain Significance. Algorithms developed to predict the effect of missense changes on protein structure and function are either unavailable or do not agree on the potential impact of this missense change (SIFT: "Deleterious"; PolyPhen-2: "Probably Damaging"; Align-GVGD: "Class C0"). This variant has not been reported in the literature in individuals affected with MSH3-related conditions. This variant is not present in population databases (gnomAD no frequency). This sequence change replaces phenylalanine, which is neutral and non-polar, with cysteine, which is neutral and slightly polar, at codon 140 of the MSH3 protein (p.Phe140Cys).

Ambry Genetics
Classification: Uncertain significance for Hereditary cancer-predisposing syndrome. Last evaluated: 2020-12-24. Review status: criteria provided, single submitter. Criteria: Ambry Variant Classification Scheme 2023. Collection method: clinical testing. Allele origin: germline.
Comment: The p.F140C variant (also known as c.419T>G), located in coding exon 3 of the MSH3 gene, results from a T to G substitution at nucleotide position 419. The phenylalanine at codon 140 is replaced by cysteine, an amino acid with highly dissimilar properties. This amino acid position is highly conserved in available vertebrate species. In addition, the in silico prediction for this alteration is inconclusive. Since supporting evidence is limited at this time, the clinical significance of this alteration remains unclear.